The following is an entry in ClinVar:

ClinVar aggregate classification (germline): Conflicting classifications of pathogenicity. Review status: criteria provided, conflicting classifications (1 of 4 stars). 3 submissions from 3 submitters: Uncertain significance (2); Benign (1). Last evaluated 2025-01-08.

Conditions:
Cardiovascular phenotype. Identifiers: MedGen CN230736.
Andersen Tawil syndrome (LQT7). Also called: Andersen Syndrome; LONG QT SYNDROME 7; ANDERSEN CARDIODYSRHYTHMIC PERIODIC PARALYSIS; Potassium-sensitive periodic paralysis, ventricular ectopy, and dysmorphic features; PERIODIC PARALYSIS, POTASSIUM-SENSITIVE CARDIODYSRHYTHMIC TYPE. Identifiers: Orphanet 37553, MedGen C1563715, MONDO:0008222, OMIM 170390.
Short QT syndrome type 3. Identifiers: Orphanet 51083, MedGen C1865018, MONDO:0012314, OMIM 609622.

Allele frequency attached by ClinVar (database versions not stated): gnomAD exomes 0.00001 and 0.00003; ExAC 0.00002; gnomAD 0.00003 and 0.00004; TOPMed 0.00006; ESP Exome Variant Server 0.00008; 1000 Genomes Project 30x 0.00016; 1000 Genomes Project 0.00020.
gnomAD v4.1: 13 of 1,614,236 alleles (0.00081%); highest among the groups gnomAD compares: African/African-American, 0.011%; no homozygotes.

Submissions (3):

Labcorp Genetics (formerly Invitae), Labcorp
Classification: Uncertain significance for Short QT syndrome type 3; Andersen Tawil syndrome. Last evaluated: 2025-01-08. Review status: criteria provided, single submitter. Criteria: Invitae Variant Classification Sherloc (09022015). Collection method: clinical testing. Allele origin: germline.
Comment: This sequence change replaces isoleucine, which is neutral and non-polar, with valine, which is neutral and non-polar, at codon 171 of the KCNJ2 protein (p.Ile171Val). This variant is present in population databases (rs150326473, gnomAD 0.01%). This variant has not been reported in the literature in individuals affected with KCNJ2-related conditions. ClinVar contains an entry for this variant (Variation ID: 964778). Invitae Evidence Modeling of protein sequence and biophysical properties (such as structural, functional, and spatial information, amino acid conservation, physicochemical variation, residue mobility, and thermodynamic stability) indicates that this missense variant is not expected to disrupt KCNJ2 protein function with a negative predictive value of 95%. In summary, the available evidence is currently insufficient to determine the role of this variant in disease. Therefore, it has been classified as a Variant of Uncertain Significance.

Ambry Genetics
Classification: Benign for Cardiovascular phenotype. Last evaluated: 2024-03-22. Review status: criteria provided, single submitter. Criteria: Ambry Variant Classification Scheme 2023. Collection method: clinical testing. Allele origin: germline.

GeneDx
Classification: Uncertain significance. Last evaluated: 2023-01-09. Review status: criteria provided, single submitter. Criteria: GeneDx Variant Classification Process June 2021. Collection method: clinical testing. Allele origin: germline. Affected: yes.
Comment: Has not been previously published as pathogenic or benign to our knowledge; In silico analysis supports that this missense variant does not alter protein structure/function

NM_000891.3(KCNJ2):c.511A>G (p.Ile171Val)

Gene: KCNJ2 (potassium inwardly rectifying channel subfamily J member 2; plus strand). Cytogenetic location: 17q24.3.
Variant type: single nucleotide variant.
Coding change: c.511A>G on transcript NM_000891.3 (MANE Select); coding-DNA position 511, A replaced by G.
Protein change: p.Ile171Val; replaces isoleucine 171 with valine.
Molecular consequence: missense variant.
Genome position (GRCh38, 1-based): chr17:70,175,550, A>G. VCF-style: chr17-70175550-A-G. GRCh37 (hg19) VCF-style: chr17-68171691-A-G.
Other names: short protein forms I171V.
Identifiers: ClinVar variation 964778 (VCV000964778.10), dbSNP rs150326473, ClinGen allele CA8738737.